The following is an entry in ClinVar:

ClinVar aggregate classification (germline): Conflicting classifications of pathogenicity. Review status: criteria provided, conflicting classifications (1 of 4 stars). 4 submissions from 4 submitters: Likely pathogenic (1); Uncertain significance (3). Last evaluated 2024-10-18.

Conditions:
Autosomal recessive limb-girdle muscular dystrophy type 2J (LGMDR10). Also called: Limb-girdle muscular dystrophy, type 2J; MUSCULAR DYSTROPHY, LIMB-GIRDLE, AUTOSOMAL RECESSIVE 10. Identifiers: Orphanet 140922, MedGen C1837342, MONDO:0012127, OMIM 608807.
Dilated cardiomyopathy 1G (CMD1G). Identifiers: Orphanet 154, MedGen C1858763, MONDO:0011400, OMIM 604145.

Allele frequency attached by ClinVar (database versions not stated): gnomAD exomes below 0.00001 and 0.00001.
gnomAD v4.1: 12 of 1,613,930 alleles (0.00074%); highest among the groups gnomAD compares: Non-Finnish European, 0.001%; no homozygotes.

Submissions (4):

Blueprint Genetics
Classification: Uncertain significance. Last evaluated: 2024-10-18. Review status: criteria provided, single submitter. Criteria: ACMG Guidelines, 2015. Collection method: clinical testing. Allele origin: germline.

Labcorp Genetics (formerly Invitae), Labcorp
Classification: Likely pathogenic for Dilated cardiomyopathy 1G; Autosomal recessive limb-girdle muscular dystrophy type 2J. Last evaluated: 2023-12-22. Review status: criteria provided, single submitter. Criteria: Invitae Variant Classification Sherloc (09022015). Collection method: clinical testing. Allele origin: germline.
Comment: This sequence change creates a premature translational stop signal (p.Gly35934*) in the TTN gene. While this is not anticipated to result in nonsense mediated decay, it is expected to create a truncated TTN protein. This variant is present in population databases (no rsID available, gnomAD 0.0009%). This premature translational stop signal has been observed in individual(s) with TTN-related conditions (PMID: 28449774, 31561939, 35177841). This variant is also known as p.G26869X. ClinVar contains an entry for this variant (Variation ID: 282175). This variant is located in the M band of TTN (PMID: 25589632). Truncating variants in this region have been previously reported in individuals affected with autosomal recessive myopathy and muscular dystrophy (PMID: 18948003, 23975875, 24395473). Truncating variants in this region have also been identified in individuals affected with autosomal dominant dilated cardiomyopathy and/or cardio-related conditions (PMID: 27869827, 32964742). In summary, the currently available evidence indicates that the variant is pathogenic, but additional data are needed to prove that conclusively. Therefore, this variant has been classified as Likely Pathogenic.

GeneDx
Classification: Uncertain significance. Last evaluated: 2017-10-31. Review status: criteria provided, single submitter. Criteria: GeneDx Variant Classification (06012015). Collection method: clinical testing. Allele origin: germline. Affected: yes.
Comment: The G34293X variant of uncertain significance in the TTN gene has not been reported as pathogenic or benign to our knowledge. This variant is not observed at a significant frequency in large population cohorts (Lek et al., 2016). In addition, G34293X is expected to result in an abnormal, truncated protein product. While other truncating variants in the TTN gene have been reported in the Human Gene Mutation Database in association with DCM (Stenson et al., 2014), these variants are all located upstream of G34293X. Furthermore, this variant is not located in the A-band region of titin, where the majority of truncating pathogenic variants associated with DCM have been reported (Herman et al., 2012). Other truncating variants in the M-band of titin, where this variant occurs, have been reported in association with an autosomal recessive early-onset myopathy with cardiomyopathy (Carmignac et al., 2007), and heterozygous parents were reportedly healthy. Moreover, other nonsense and frameshift TTN variants have been reported in approximately 3% of control alleles (Herman et al., 2012).

Eurofins Ntd Llc (ga)
Classification: Uncertain significance. Last evaluated: 2015-07-30. Review status: criteria provided, single submitter. Criteria: EGL Classification Definitions 2015. Collection method: clinical testing. Allele origin: germline. Observed: 1 variant allele, 1 heterozygote.

Literature cited by the submitters: PubMed 28449774 (cited by Labcorp Genetics (formerly Invitae), Labcorp); PubMed 31561939 (cited by Labcorp Genetics (formerly Invitae), Labcorp); PubMed 35177841 (cited by Labcorp Genetics (formerly Invitae), Labcorp); PubMed 25589632 (cited by Labcorp Genetics (formerly Invitae), Labcorp); PubMed 18948003 (cited by Labcorp Genetics (formerly Invitae), Labcorp); PubMed 23975875 (cited by Labcorp Genetics (formerly Invitae), Labcorp); PubMed 24395473 (cited by Labcorp Genetics (formerly Invitae), Labcorp); PubMed 27869827 (cited by Labcorp Genetics (formerly Invitae), Labcorp); PubMed 32964742 (cited by Labcorp Genetics (formerly Invitae), Labcorp).

NM_001267550.2(TTN):c.107800G>T (p.Gly35934Ter)

Genes: TTN-AS1 (TTN antisense RNA 1; plus strand), TTN (titin; minus strand). Cytogenetic location: 2q31.2.
Variant type: single nucleotide variant.
Coding change: c.107800G>T on transcript NM_001267550.2 (MANE Select); coding-DNA position 107800, G replaced by T.
Protein change: p.Gly35934Ter; replaces glycine 35934 with a stop codon.
Molecular consequence: nonsense.
Genome position (GRCh38, 1-based): chr2:178,527,188, C>A on the plus strand (G>T on the coding strand, the complement: TTN is on the minus strand). VCF-style: chr2-178527188-C-A. GRCh37 (hg19) VCF-style: chr2-179391915-C-A.
Other names: c.102877G>T, p.Gly34293Ter (NM_001256850.1); c.80605G>T, p.Gly26869Ter (NM_003319.4); c.100096G>T, p.Gly33366Ter (NM_133378.4); c.80980G>T, p.Gly26994Ter (NM_133432.3); c.81181G>T, p.Gly27061Ter (NM_133437.4); short protein forms G34293*, G33366*, G35934*, G26869*, G26994*, G27061*.
Identifiers: ClinVar variation 282175 (VCV000282175.16), dbSNP rs368277535, ClinGen allele CA10604093.
Genomic context (GRCh38, chr2:178,527,188, plus strand): 5'-TCAGGTCATCTGTGTTTTCAATGTGGAACCTCCCCTGTTCTTGACTGTGGATTTTTCTTC[C>A]ACCACAGGACCATGTTACTTCTGGGGTAGGCTCACCCGTGAAAGCACAGGCTACTGTTAG-3'